The following is an entry in ClinVar:

NM_000394.4(CRYAA):c.246G>A (p.Pro82=)

Gene: CRYAA (crystallin alpha A; plus strand). Cytogenetic location: 21q22.3.
Variant type: single nucleotide variant.
Coding change: c.246G>A on transcript NM_000394.4 (MANE Select); coding-DNA position 246, G replaced by A.
Protein change: p.Pro82=; no amino-acid change (proline 82 retained).
Molecular consequence: synonymous variant.
Genome position (GRCh38, 1-based): chr21:43,170,573, G>A. VCF-style: chr21-43170573-G-A. GRCh37 (hg19) VCF-style: chr21-44590683-G-A.
Other names: c.135G>A, p.Pro45= (NM_001363766.1).
Identifiers: ClinVar variation 340098 (VCV000340098.16), dbSNP rs61735856, ClinGen allele CA10653647.

ClinVar aggregate classification (germline): Benign. Review status: criteria provided, multiple submitters, no conflicts (2 of 4 stars). 3 submissions from 3 submitters: Benign (3). Last evaluated 2026-01-13.

Conditions:
Cataract 9 multiple types. Also called: Cataract 9, multiple types, with or without microcornea; Cataract, autosomal recessive congenital 1. Identifiers: Orphanet 1377, MedGen C1858679, MONDO:0011413, OMIM 604219.

Allele frequency attached by ClinVar (database versions not stated): gnomAD exomes 0.00318; ExAC 0.00370; gnomAD 0.01115; ESP Exome Variant Server 0.01453; 1000 Genomes Project 0.01558.

Submissions (3):

Labcorp Genetics (formerly Invitae), Labcorp
Classification: Benign for Cataract 9 multiple types. Last evaluated: 2026-01-13. Review status: criteria provided, single submitter. Criteria: Invitae Variant Classification Sherloc (09022015). Collection method: clinical testing. Allele origin: germline.

Illumina Laboratory Services, Illumina
Classification: Benign for Cataract 9 multiple types. Last evaluated: 2018-01-13. Review status: criteria provided, single submitter. Criteria: ICSL Variant Classification Criteria 13 December 2019. Collection method: clinical testing. Allele origin: germline.
Comment: This variant was observed in the ICSL laboratory as part of a predisposition screen in an ostensibly healthy population. It had not been previously curated by ICSL or reported in the Human Gene Mutation Database (HGMD: prior to June 1st, 2018), and was therefore a candidate for classification through an automated scoring system. Utilizing variant allele frequency, disease prevalence and penetrance estimates, and inheritance mode, an automated score was calculated to assess if this variant is too frequent to cause the disease. Based on the score and internal cut-off values, a variant classified as benign is not then subjected to further curation. The score for this variant resulted in a classification of benign for this disease.

Breakthrough Genomics
Classification: Benign. Review status: criteria provided, single submitter. Criteria: ACMG Guidelines, 2015. Collection method: not provided. Allele origin: germline. Inheritance: Autosomal dominant inheritance. Affected: yes.